The following is an entry in ClinVar:

ClinVar aggregate classification (germline): Uncertain significance (1 of 4 stars; one submission).

Allele frequency attached by ClinVar (database versions not stated): TOPMed below 0.00001; gnomAD 0.00001.
gnomAD v4.1: 3 of 1,605,490 alleles (0.00019%); highest among the groups gnomAD compares: African/African-American, 0.004%; no homozygotes.

Submission:

Labcorp Genetics (formerly Invitae), Labcorp
Classification: Uncertain significance. Last evaluated: 2022-08-22. Review status: criteria provided, single submitter. Criteria: Invitae Variant Classification Sherloc (09022015). Collection method: clinical testing. Allele origin: germline.
Comment: This variant is present in population databases (no rsID available, gnomAD 0.01%). In summary, the available evidence is currently insufficient to determine the role of this variant in disease. Therefore, it has been classified as a Variant of Uncertain Significance. Algorithms developed to predict the effect of missense changes on protein structure and function (SIFT, PolyPhen-2, Align-GVGD) all suggest that this variant is likely to be tolerated. This variant has not been reported in the literature in individuals affected with RUNX2-related conditions. This sequence change replaces serine, which is neutral and polar, with cysteine, which is neutral and slightly polar, at codon 33 of the RUNX2 protein (p.Ser33Cys).

NM_001024630.4(RUNX2):c.97A>T (p.Ser33Cys)

Gene: RUNX2 (RUNX family transcription factor 2; plus strand). Cytogenetic location: 6p21.1.
Variant type: single nucleotide variant.
Coding change: c.97A>T on transcript NM_001024630.4 (MANE Select); coding-DNA position 97, A replaced by T.
Protein change: p.Ser33Cys; replaces serine 33 with cysteine.
Molecular consequence: missense variant.
Genome position (GRCh38, 1-based): chr6:45,422,631, A>T. VCF-style: chr6-45422631-A-T. GRCh37 (hg19) VCF-style: chr6-45390368-A-T.
Other names: c.97A>T, p.Ser33Cys (NM_001015051.4); c.55A>T, p.Ser19Cys (NM_001278478.2, NM_001369405.1, NM_004348.3); short protein forms S19C, S33C.
Identifiers: ClinVar variation 1933920 (VCV001933920.5), dbSNP rs1384459632, ClinGen allele CA363957626.